The following is an entry in ClinVar:

ClinVar aggregate classification (germline): Uncertain significance (1 of 4 stars; one submission).

Conditions:
Temtamy syndrome (TEMTYS). Also called: MENTAL RETARDATION WITH OR WITHOUT CRANIOFACIAL DYSMORPHISM, OCULAR COLOBOMA, OR ABNORMAL CORPUS CALLOSUM. Identifiers: Orphanet 1777, MedGen C1857512, MONDO:0009033, OMIM 218340.

Allele frequency attached by ClinVar (database versions not stated): TOPMed 0.00001.
gnomAD v4.1: 1 of 1,614,178 alleles (0.000062%); highest among the groups gnomAD compares: Non-Finnish European, 0.000085%; no homozygotes.

Submission:

Labcorp Genetics (formerly Invitae), Labcorp
Classification: Uncertain significance for Temtamy syndrome. Last evaluated: 2022-12-02. Review status: criteria provided, single submitter. Criteria: Invitae Variant Classification Sherloc (09022015). Collection method: clinical testing. Allele origin: germline.
Comment: This sequence change replaces lysine, which is basic and polar, with glutamic acid, which is acidic and polar, at codon 49 of the C12orf57 protein (p.Lys49Glu). This variant is not present in population databases (gnomAD no frequency). This variant has not been reported in the literature in individuals affected with C12orf57-related conditions. ClinVar contains an entry for this variant (Variation ID: 933788). Algorithms developed to predict the effect of missense changes on protein structure and function are either unavailable or do not agree on the potential impact of this missense change (SIFT: "Tolerated"; PolyPhen-2: "Possibly Damaging"; Align-GVGD: "Class C0"). Algorithms developed to predict the effect of sequence changes on RNA splicing suggest that this variant may disrupt the consensus splice site. In summary, the available evidence is currently insufficient to determine the role of this variant in disease. Therefore, it has been classified as a Variant of Uncertain Significance.

NM_138425.4(C12orf57):c.145A>G (p.Lys49Glu)

Gene: C12orf57 (chromosome 12 open reading frame 57; plus strand). Cytogenetic location: 12p13.31.
Variant type: single nucleotide variant.
Coding change: c.145A>G on transcript NM_138425.4 (MANE Select); coding-DNA position 145, A replaced by G.
Protein change: p.Lys49Glu; replaces lysine 49 with glutamic acid.
Molecular consequence: missense variant. On other transcripts: intron variant (1).
Genome position (GRCh38, 1-based): chr12:6,944,568, A>G. VCF-style: chr12-6944568-A-G. GRCh37 (hg19) VCF-style: chr12-7053731-A-G.
Other names: c.145A>G, p.Lys49Glu (NM_001301834.1); c.106A>G, p.Lys36Glu (NM_001301836.2); c.40A>G, p.Lys14Glu (NM_001301838.2); c.142+3A>G (NM_001301837.2); short protein forms K49E, K14E, K36E.
Identifiers: ClinVar variation 933788 (VCV000933788.9), dbSNP rs1555146033, ClinGen allele CA383744562.
Genomic context (GRCh38, chr12:6,944,568, plus strand): 5'-GCCCCGGAGAATGCAGTGCGCATGGACGAGGCTCGGGATAACGCCTGCAACGACATGGGT[A>G]AGATGCTGCAATTCGTGCTGCCCGTGGCCACGCAGATCCAGCAGGAGGTTATCAAAGCCT-3'
Protein context (NP_612434.1, residues 39-59): ARDNACNDMG[Lys49Glu]MLQFVLPVAT